The following is an entry in ClinVar:

ClinVar aggregate classification (germline): Likely pathogenic (1 of 4 stars; one submission).

Conditions:
Cardiovascular phenotype. Identifiers: MedGen CN230736.

Submission:

Ambry Genetics
Classification: Likely pathogenic for Cardiovascular phenotype. Last evaluated: 2020-08-31. Review status: criteria provided, single submitter. Criteria: Ambry Variant Classification Scheme 2023. Collection method: clinical testing. Allele origin: germline.
Comment: The c.526-1G>C intronic variant results from a G to C substitution one nucleotide upstream from coding exon 4 of the ACVRL1 gene. This nucleotide position is highly conserved in available vertebrate species. This variant was not reported in population-based cohorts in the Genome Aggregation Database (gnomAD). In addition, in silico splice site analysis predicts that this alteration will weaken the native splice acceptor site. Alterations that disrupt the canonical splice site are expected to cause aberrant splicing, resulting in an abnormal protein or a transcript that is subject to nonsense-mediated mRNA decay. As such, this alteration is classified as likely pathogenic.

NM_000020.3(ACVRL1):c.526-1G>C

Gene: ACVRL1 (activin A receptor like type 1; plus strand). Cytogenetic location: 12q13.13.
Variant type: single nucleotide variant.
Coding change: c.526-1G>C on transcript NM_000020.3 (MANE Select); the canonical splice acceptor site of the intron before coding-DNA position 526, G replaced by C.
Molecular consequence: splice acceptor variant. On other transcripts: intron variant (6).
Genome position (GRCh38, 1-based): chr12:51,913,973, G>C. VCF-style: chr12-51913973-G-C. GRCh37 (hg19) VCF-style: chr12-52307757-G-C.
Other names: c.526-1G>C (NM_001406487.1, NM_001406488.1, NM_001077401.2 and 1 more transcripts); c.314-466G>C (NM_001406491.1, NM_001406490.1, NM_001406492.1 and 2 more transcripts); c.62-466G>C (NM_001406495.1).
Identifiers: ClinVar variation 1746451 (VCV001746451.2), dbSNP rs1565593274, ClinGen allele CA384899416.